The following is an entry in ClinVar:

ClinVar aggregate classification (germline): Uncertain significance (1 of 4 stars; one submission).

Conditions:
Intellectual developmental disorder, X-linked, syndromic, Turner type. Also called: X-linked intellectual disability, Turner type; Intellectual disability, X-linked syndromic, Turner type. Identifiers: Orphanet 3056, Orphanet 85328, MedGen C2678046, MONDO:0010407, OMIM 309590.

Submission:

Victorian Clinical Genetics Services, Murdoch Childrens Research Institute
Classification: Uncertain significance for Intellectual developmental disorder, X-linked, syndromic, Turner type. Last evaluated: 2020-05-21. Review status: criteria provided, single submitter. Criteria: ACMG Guidelines, 2015. Collection method: clinical testing. Allele origin: germline. Inheritance: X-linked inheritance.
Comment: Based on the classification scheme VCGS_Germline_v1.1.1, this variant is classified as VUS – 3C. Following criteria are met: 0103 - Both loss- and gain-of-function are known mechanisms of disease for this gene, and have both been observed for missense (PMID 30797980). (N) 0110 - This gene is known to be associated with X-linked dominant disease. (N) 0200 - Variant is predicted to result in a missense amino acid change from glycine to glutamic acid (exon 42). (N) 0253 - Variant is hemizygous. (N) 0301 - Variant is absent from gnomAD. (P) 0309 - An alternative amino acid change at the same position has been observed in gnomAD (2 hemizygotes, 0 heterozygotes, 0 homozygotes). (N) 0503 - Missense variant consistently predicted to be tolerated or not conserved in mammals with a minor amino acid change. (B) 0604 - Variant is not located in an established domain, motif, hotspot or informative constraint region. (N) 0705 - No comparable variants have previous evidence for pathogenicity. (N) 0807 - Variant has not previously been reported in a clinical context. (N) 0905 - No segregation evidence has been identified for this variant. (N) 1007 - No published functional evidence has been identified for this variant. (N) Legend: (P) - Pathogenic, (N) - Neutral, (B) - Benign

Literature cited by the submitters: PubMed 30797980.

NM_031407.7(HUWE1):c.5228G>A (p.Gly1743Glu)

Gene: HUWE1 (HECT, UBA and WWE domain containing E3 ubiquitin protein ligase 1; minus strand). Cytogenetic location: Xp11.22.
Variant type: single nucleotide variant.
Coding change: c.5228G>A on transcript NM_031407.7 (MANE Select); coding-DNA position 5228, G replaced by A.
Protein change: p.Gly1743Glu; replaces glycine 1743 with glutamic acid.
Molecular consequence: missense variant.
Genome position (GRCh38, 1-based): chrX:53,583,850, C>T on the plus strand (G>A on the coding strand, the complement: HUWE1 is on the minus strand). VCF-style: chrX-53583850-C-T. GRCh37 (hg19) VCF-style: chrX-53610810-C-T.
Other names: short protein forms G1743E.
Identifiers: ClinVar variation 1805755 (VCV001805755.2), dbSNP rs2525532799, ClinGen allele CA413174257.